The following is an entry in ClinVar:

ClinVar aggregate classification (germline): Benign. Review status: criteria provided, multiple submitters, no conflicts (2 of 4 stars). 2 submissions from 2 submitters: Benign (2). Last evaluated 2018-06-16.

Allele frequency attached by ClinVar (database versions not stated): 1000 Genomes Project 30x 0.11946; gnomAD exomes 0.05085; gnomAD 0.10457 and 0.10725; TOPMed 0.11239; 1000 Genomes Project 0.11502.
gnomAD v4.1: 75,619 of 1,314,610 alleles (5.8%); highest among the groups gnomAD compares: African/African-American, 27%; 4,230 homozygotes.

Submissions (2):

GeneDx
Classification: Benign. Last evaluated: 2018-06-16. Review status: criteria provided, single submitter. Criteria: GeneDx Variant Classification (06012015). Collection method: clinical testing. Allele origin: germline. Affected: yes.
Comment: This variant is considered likely benign or benign based on one or more of the following criteria: it is a conservative change, it occurs at a poorly conserved position in the protein, it is predicted to be benign by multiple in silico algorithms, and/or has population frequency not consistent with disease.

Breakthrough Genomics
Classification: Benign. Review status: criteria provided, single submitter. Criteria: ACMG Guidelines, 2015. Collection method: not provided. Allele origin: germline. Inheritance: Autosomal recessive inheritance. Affected: yes.

NM_002529.4(NTRK1):c.850+127G>A

Gene: NTRK1 (neurotrophic receptor tyrosine kinase 1; plus strand). Cytogenetic location: 1q23.1.
Variant type: single nucleotide variant.
Coding change: c.850+127G>A on transcript NM_002529.4 (MANE Select); 127 bases into the intron after coding-DNA position 850, G replaced by A.
Molecular consequence: intron variant.
Genome position (GRCh38, 1-based): chr1:156,871,882, G>A. VCF-style: chr1-156871882-G-A. GRCh37 (hg19) VCF-style: chr1-156841674-G-A.
Other names: c.760+127G>A (NM_001007792.1); c.850+127G>A (NM_001012331.2).
Identifiers: ClinVar variation 667743 (VCV000667743.2), dbSNP rs1410082, ClinGen allele CA31113563.